The following is an entry in ClinVar:

NM_000548.5(TSC2):c.3883+5C>T

Gene: TSC2 (TSC complex subunit 2; plus strand). Cytogenetic location: 16p13.3.
Variant type: single nucleotide variant.
Coding change: c.3883+5C>T on transcript NM_000548.5 (MANE Select); 5 bases into the intron after coding-DNA position 3883, C replaced by T.
Molecular consequence: intron variant.
Genome position (GRCh38, 1-based): chr16:2,082,509, C>T. VCF-style: chr16-2082509-C-T. GRCh37 (hg19) VCF-style: chr16-2132510-C-T.
Other names: c.3814+711C>T (NM_001114382.3); c.3754+5C>T (NM_021055.3, NM_001370405.1); c.3685+711C>T (NM_001363528.2); c.3751+5C>T (NM_001370404.1); c.3682+711C>T (NM_001077183.3); c.3574+711C>T (NM_001318827.2); c.3151+5C>T (NM_001318831.2); c.3538+711C>T (NM_001318829.2); and 2 more.
Identifiers: ClinVar variation 49855 (VCV000049855.21), dbSNP rs45448994, ClinGen allele CA019611.
Genomic context (GRCh38, chr16:2,082,509, plus strand): 5'-CTCCCTGTACCAGTCCAGCTGCCAAGGACAGCTGCACAGGAGCGTTTCCTGGGCAGGTAT[C>T]GCCTCTCAGAGGGAAGCGGTTGGCTGCAGAGCGCCACTCTGCCTCATAGGTGCTGTGCTC-3'

ClinVar aggregate classification (germline): Conflicting classifications of pathogenicity. Review status: criteria provided, conflicting classifications (1 of 4 stars). 7 submissions from 7 submitters: Uncertain significance (1); Benign (2); Likely benign (2). 2 of the submissions do not count toward it. Last evaluated 2026-02-03.

Conditions:
TSC2-related disorder. Also called: TSC2-related condition; TSC2-Related Disorders.
Hereditary cancer-predisposing syndrome. Also called: Neoplastic Syndromes, Hereditary; Tumor predisposition; Hereditary Cancer Syndrome; Hereditary neoplastic syndrome. Identifiers: Orphanet 140162, MedGen C0027672, MeSH D009386, MONDO:0015356.
Tuberous sclerosis syndrome (TSC). Also called: Tuberous Sclerosis Complex; Tuberous sclerosis. Identifiers: Orphanet 805, MedGen C0041341, MONDO:0001734.
Tuberous sclerosis 2 (TSC2). Identifiers: Orphanet 805, MedGen C1860707, MONDO:0013199, OMIM 613254.

Allele frequency attached by ClinVar (database versions not stated): ExAC 0.00001; gnomAD 0.00001; gnomAD exomes 0.00001 and 0.00002; TOPMed 0.00002; ESP Exome Variant Server 0.00008.
gnomAD v4.1: 27 of 1,610,932 alleles (0.0017%); highest among the groups gnomAD compares: East Asian, 0.0022%; no homozygotes.

Submissions (7):

Labcorp Genetics (formerly Invitae), Labcorp
Classification: Benign for Tuberous sclerosis 2. Last evaluated: 2026-02-03. Review status: criteria provided, single submitter. Criteria: Invitae Variant Classification Sherloc (09022015). Collection method: clinical testing. Allele origin: germline.

Color Diagnostics, LLC DBA Color Health
Classification: Likely benign for Tuberous sclerosis syndrome. Last evaluated: 2025-07-15. Review status: criteria provided, single submitter. Criteria: ACMG Guidelines, 2015. Collection method: clinical testing. Allele origin: germline.

All of Us Research Program, National Institutes of Health
Classification: Uncertain significance for Tuberous sclerosis syndrome. Last evaluated: 2023-12-13. Review status: criteria provided, single submitter. Criteria: ACMG Guidelines, 2015. Collection method: clinical testing. Allele origin: germline. Inheritance: Autosomal dominant inheritance. Observed: 6 variant alleles, 6 heterozygotes.
Comment: This variant causes a C to T nucleotide substitution at the +5 position of intron 32 of the TSC2 gene. To our knowledge, RNA studies have not been reported for this variant. This variant has not been reported in individuals affected with hereditary cancer in the literature. This variant has been identified in 2/248658 chromosomes in the general population by the Genome Aggregation Database (gnomAD). The available evidence is insufficient to determine the role of this variant in disease conclusively. Therefore, this variant is classified as a Variant of Uncertain Significance.

This study involves interpretation of variants in research participants for the purpose of population health screening. Participant phenotype was not available at the time of variant classification. Additional details can be found in publication PMID: 35346344, PMCID: PMC8962531

Genome-Nilou Lab
Classification: Benign for Tuberous sclerosis 2. Last evaluated: 2021-11-07. Review status: criteria provided, single submitter. Criteria: ACMG Guidelines, 2015. Collection method: clinical testing. Allele origin: germline. Affected: no.

Ambry Genetics
Classification: Likely benign for Hereditary cancer-predisposing syndrome. Last evaluated: 2020-09-18. Review status: criteria provided, single submitter. Criteria: Ambry Variant Classification Scheme 2023. Collection method: clinical testing. Allele origin: germline.

PreventionGenetics, part of Exact Sciences
Classification: Likely benign for TSC2-related condition. Last evaluated: 2023-01-05. Review status: no assertion criteria provided. Collection method: clinical testing. Allele origin: germline. Not counted in ClinVar's aggregate classification.
Comment: This variant is classified as likely benign based on ACMG/AMP sequence variant interpretation guidelines (Richards et al. 2015 PMID: 25741868, with internal and published modifications).

Tuberous sclerosis database (TSC2)
No classification provided. Condition: TSC. Review status: no classification provided. Criteria: Tuberous Sclerosis Database Assertion Criteria 2015. Collection method: curation. Allele origin: germline. Affected: yes. Not counted in ClinVar's aggregate classification.

Literature cited by the submitters: PubMed 16114042 (cited by Ambry Genetics).